The following is an entry in ClinVar:

ClinVar aggregate classification (germline): Uncertain significance (1 of 4 stars; one submission).

Conditions:
Autosomal dominant nocturnal frontal lobe epilepsy 5. Also called: CILIARY DYSKINESIA, PRIMARY, 28, WITHOUT SITUS INVERSUS; Epilepsy, nocturnal frontal lobe, 5; KCNT1-Related Epilepsy; CILIARY DYSKINESIA, PRIMARY, 28, WITH SITUS INVERSUS. Identifiers: Orphanet 98784, MedGen C3554306, MONDO:0014002, OMIM 615005.
Developmental and epileptic encephalopathy, 14 (DEE14). Also called: Early infantile epileptic encephalopathy 14. Identifiers: Orphanet 293181, MedGen C3554195, MONDO:0013989, OMIM 614959.

Allele frequency attached by ClinVar (database versions not stated): gnomAD 0.00001.
gnomAD v4.1: 3 of 1,550,022 alleles (0.00019%); highest among the groups gnomAD compares: Non-Finnish European, 0.00026%; no homozygotes.

Submission:

Labcorp Genetics (formerly Invitae), Labcorp
Classification: Uncertain significance for Autosomal dominant nocturnal frontal lobe epilepsy 5; Developmental and epileptic encephalopathy, 14. Last evaluated: 2024-10-01. Review status: criteria provided, single submitter. Criteria: Invitae Variant Classification Sherloc (09022015). Collection method: clinical testing. Allele origin: germline.
Comment: This sequence change replaces asparagine, which is neutral and polar, with lysine, which is basic and polar, at codon 449 of the KCNT1 protein (p.Asn449Lys). This variant is not present in population databases (gnomAD no frequency). This variant has not been reported in the literature in individuals affected with KCNT1-related conditions. ClinVar contains an entry for this variant (Variation ID: 1927870). Invitae Evidence Modeling of protein sequence and biophysical properties (such as structural, functional, and spatial information, amino acid conservation, physicochemical variation, residue mobility, and thermodynamic stability) indicates that this missense variant is not expected to disrupt KCNT1 protein function with a negative predictive value of 80%. In summary, the available evidence is currently insufficient to determine the role of this variant in disease. Therefore, it has been classified as a Variant of Uncertain Significance.

NM_020822.3(KCNT1):c.1347T>A (p.Asn449Lys)

Gene: KCNT1 (potassium sodium-activated channel subfamily T member 1; plus strand). Cytogenetic location: 9q34.3.
Variant type: single nucleotide variant.
Coding change: c.1347T>A on transcript NM_020822.3 (MANE Select); coding-DNA position 1347, T replaced by A.
Protein change: p.Asn449Lys; replaces asparagine 449 with lysine.
Molecular consequence: missense variant.
Genome position (GRCh38, 1-based): chr9:135,768,619, T>A. VCF-style: chr9-135768619-T-A. GRCh37 (hg19) VCF-style: chr9-138660465-T-A.
Other names: c.1212T>A, p.Asn404Lys (NM_001272003.2); short protein forms N449K, N404K.
Identifiers: ClinVar variation 1927870 (VCV001927870.5), dbSNP rs1383981222, ClinGen allele CA375504573.